The following is an entry in ClinVar:

NM_020297.4(ABCC9):c.2703C>T (p.Thr901=)

Gene: ABCC9 (ATP binding cassette subfamily C member 9; minus strand). Cytogenetic location: 12p12.1.
Variant type: single nucleotide variant.
Coding change: c.2703C>T on transcript NM_020297.4 (MANE Select); coding-DNA position 2703, C replaced by T.
Protein change: p.Thr901=; no amino-acid change (threonine 901 retained).
Molecular consequence: synonymous variant.
Genome position (GRCh38, 1-based): chr12:21,852,163, G>A on the plus strand (C>T on the coding strand, the complement: ABCC9 is on the minus strand). VCF-style: chr12-21852163-G-A. GRCh37 (hg19) VCF-style: chr12-22005097-G-A.
Other names: c.2703C>T, p.Thr901= (NM_001377273.1, NM_005691.4); c.1836C>T, p.Thr612= (NM_001377274.1).
Identifiers: ClinVar variation 508497 (VCV000508497.5), dbSNP rs1000035870, ClinGen allele CA233599584.

ClinVar aggregate classification (germline): Likely benign. Review status: criteria provided, multiple submitters, no conflicts (2 of 4 stars). 2 submissions from 2 submitters: Likely benign (2). Last evaluated 2022-07-13.

Conditions:
Dilated cardiomyopathy 1O (CMD1O). Also called: CARDIOMYOPATHY, DILATED, WITH VENTRICULAR TACHYCARDIA. Identifiers: Orphanet 154, MedGen C1837839, MONDO:0012062, OMIM 608569.

Allele frequency attached by ClinVar (database versions not stated): TOPMed below 0.00001; gnomAD 0.00001.
gnomAD v4.1: 1 of 1,613,534 alleles (0.000062%); highest among the groups gnomAD compares: African/African-American, 0.0013%; no homozygotes.

Submissions (2):

Labcorp Genetics (formerly Invitae), Labcorp
Classification: Likely benign for Dilated cardiomyopathy 1O. Last evaluated: 2022-07-13. Review status: criteria provided, single submitter. Criteria: Invitae Variant Classification Sherloc (09022015). Collection method: clinical testing. Allele origin: germline.

GeneDx
Classification: Likely benign. Last evaluated: 2017-04-03. Review status: criteria provided, single submitter. Criteria: GeneDx Variant Classification (06012015). Collection method: clinical testing. Allele origin: germline. Affected: yes.
Comment: This variant is considered likely benign or benign based on one or more of the following criteria: it is a conservative change, it occurs at a poorly conserved position in the protein, it is predicted to be benign by multiple in silico algorithms, and/or has population frequency not consistent with disease.